The following is an entry in ClinVar:

ClinVar aggregate classification (germline): Conflicting classifications of pathogenicity. Review status: criteria provided, conflicting classifications (1 of 4 stars). 3 submissions from 3 submitters: Uncertain significance (2); Likely benign (1). Last evaluated 2025-10-24.

Allele frequency attached by ClinVar (database versions not stated): ExAC 0.00002; gnomAD 0.00003 and 0.00004; TOPMed 0.00003; gnomAD exomes 0.00005 and 0.00012.
gnomAD v4.1: 170 of 1,614,072 alleles (0.011%); highest among the groups gnomAD compares: Non-Finnish European, 0.014%; no homozygotes.

Submissions (3):

Labcorp Genetics (formerly Invitae), Labcorp
Classification: Uncertain significance. Last evaluated: 2025-10-24. Review status: criteria provided, single submitter. Criteria: Invitae Variant Classification Sherloc (09022015). Collection method: clinical testing. Allele origin: germline.
Comment: This sequence change replaces isoleucine, which is neutral and non-polar, with valine, which is neutral and non-polar, at codon 1052 of the A2ML1 protein (p.Ile1052Val). This variant is present in population databases (rs753161669, gnomAD 0.009%). This variant has not been reported in the literature in individuals affected with A2ML1-related conditions. ClinVar contains an entry for this variant (Variation ID: 241899). An algorithm developed to predict the effect of missense changes on protein structure and function (PolyPhen-2) suggests that this variant is likely to be disruptive. In summary, the available evidence is currently insufficient to determine the role of this variant in disease. Therefore, it has been classified as a Variant of Uncertain Significance.

Ambry Genetics
Classification: Uncertain significance. Last evaluated: 2025-02-15. Review status: criteria provided, single submitter. Criteria: Ambry Variant Classification Scheme 2023. Collection method: clinical testing. Allele origin: germline.

Women's Health and Genetics/Laboratory Corporation of America, LabCorp
Classification: Likely benign. Last evaluated: 2022-10-30. Review status: criteria provided, single submitter. Criteria: LabCorp Variant Classification Summary - May 2015. Collection method: clinical testing. Allele origin: germline.

NM_144670.6(A2ML1):c.3154A>G (p.Ile1052Val)

Gene: A2ML1 (alpha-2-macroglobulin like 1; plus strand). Cytogenetic location: 12p13.31.
Variant type: single nucleotide variant.
Coding change: c.3154A>G on transcript NM_144670.6 (MANE Select); coding-DNA position 3154, A replaced by G.
Protein change: p.Ile1052Val; replaces isoleucine 1052 with valine.
Molecular consequence: missense variant.
Genome position (GRCh38, 1-based): chr12:8,857,992, A>G. VCF-style: chr12-8857992-A-G. GRCh37 (hg19) VCF-style: chr12-9010588-A-G.
Other names: c.1681A>G, p.Ile561Val (NM_001282424.3); c.3154A>G (NM_144670.3); short protein forms I1052V, I561V.
Identifiers: ClinVar variation 241899 (VCV000241899.12), dbSNP rs753161669, ClinGen allele CA6436283.